The following is an entry in ClinVar:

ClinVar aggregate classification (germline): Uncertain significance. Review status: criteria provided, multiple submitters, no conflicts (2 of 4 stars). 2 submissions from 2 submitters: Uncertain significance (2). Last evaluated 2026-01-20.

Conditions:
Inborn genetic diseases. Identifiers: MedGen C0950123, MeSH D030342.

Allele frequency attached by ClinVar (database versions not stated): gnomAD exomes below 0.00001; TOPMed below 0.00001.
gnomAD v4.1: 1 of 1,504,188 alleles (0.000066%); highest among the groups gnomAD compares: Admixed American, 0.002%; no homozygotes.

Submissions (2):

Ambry Genetics
Classification: Uncertain significance for Inborn genetic diseases. Last evaluated: 2026-01-20. Review status: criteria provided, single submitter. Criteria: Ambry Variant Classification Scheme 2023. Collection method: clinical testing. Allele origin: germline.
Comment: The c.2909C>T (p.A970V) alteration is located in exon 11 (coding exon 11) of the CDK13 gene. This alteration results from a C to T substitution at nucleotide position 2909, causing the alanine (A) at amino acid position 970 to be replaced by a valine (V). Based on data from gnomAD, the T allele has an overall frequency of <0.001% (1/214856) total alleles studied. The highest observed frequency was 0.004% (1/24798) of Latino alleles. Based on insufficient or conflicting evidence, the clinical significance of this alteration remains unclear.

Labcorp Genetics (formerly Invitae), Labcorp
Classification: Uncertain significance. Last evaluated: 2023-08-17. Review status: criteria provided, single submitter. Criteria: Invitae Variant Classification Sherloc (09022015). Collection method: clinical testing. Allele origin: germline.
Comment: This sequence change replaces alanine, which is neutral and non-polar, with valine, which is neutral and non-polar, at codon 970 of the CDK13 protein (p.Ala970Val). The frequency data for this variant in the population databases is considered unreliable, as metrics indicate poor data quality at this position in the gnomAD database. This variant has not been reported in the literature in individuals affected with CDK13-related conditions. Advanced modeling of protein sequence and biophysical properties (such as structural, functional, and spatial information, amino acid conservation, physicochemical variation, residue mobility, and thermodynamic stability) performed at Invitae indicates that this missense variant is not expected to disrupt CDK13 protein function. In summary, the available evidence is currently insufficient to determine the role of this variant in disease. Therefore, it has been classified as a Variant of Uncertain Significance.

NM_003718.5(CDK13):c.2909C>T (p.Ala970Val)

Gene: CDK13 (cyclin dependent kinase 13; plus strand). Cytogenetic location: 7p14.1.
Variant type: single nucleotide variant.
Coding change: c.2909C>T on transcript NM_003718.5 (MANE Select); coding-DNA position 2909, C replaced by T.
Protein change: p.Ala970Val; replaces alanine 970 with valine.
Molecular consequence: missense variant.
Genome position (GRCh38, 1-based): chr7:40,078,731, C>T. VCF-style: chr7-40078731-C-T. GRCh37 (hg19) VCF-style: chr7-40118330-C-T.
Other names: c.2909C>T, p.Ala970Val (NM_031267.4); short protein forms A970V.
Identifiers: ClinVar variation 2809332 (VCV002809332.4), dbSNP rs1440361300, ClinGen allele CA367291213.